The following is an entry in ClinVar:

NM_000135.4(FANCA):c.1588C>T (p.Leu530Phe)

Gene: FANCA (FA complementation group A; minus strand). Cytogenetic location: 16q24.3.
Variant type: single nucleotide variant.
Coding change: c.1588C>T on transcript NM_000135.4 (MANE Select); coding-DNA position 1588, C replaced by T.
Protein change: p.Leu530Phe; replaces leucine 530 with phenylalanine.
Molecular consequence: missense variant.
Genome position (GRCh38, 1-based): chr16:89,782,897, G>A on the plus strand (C>T on the coding strand, the complement: FANCA is on the minus strand). VCF-style: chr16-89782897-G-A. GRCh37 (hg19) VCF-style: chr16-89849305-G-A.
Other names: c.1588C>T, p.Leu530Phe (NM_001286167.3); short protein forms L530F.
Identifiers: ClinVar variation 1026803 (VCV001026803.7), dbSNP rs1567628801, ClinGen allele CA397457990.

ClinVar aggregate classification (germline): Uncertain significance. Review status: criteria provided, single submitter (1 of 4 stars). 2 submissions from 2 submitters: Uncertain significance (1). 1 of the submissions does not count toward it. Last evaluated 2021-10-18.

Conditions:
Fanconi anemia (FA). Also called: Fanconi's anemia. Identifiers: Orphanet 84, MedGen C0015625, MeSH D005199, MONDO:0019391.

Submissions (2):

Labcorp Genetics (formerly Invitae), Labcorp
Classification: Uncertain significance for Fanconi anemia. Last evaluated: 2021-10-18. Review status: criteria provided, single submitter. Criteria: Invitae Variant Classification Sherloc (09022015). Collection method: clinical testing. Allele origin: germline.
Comment: This sequence change replaces leucine with phenylalanine at codon 530 of the FANCA protein (p.Leu530Phe). The leucine residue is highly conserved and there is a small physicochemical difference between leucine and phenylalanine. This variant is not present in population databases (ExAC no frequency). This variant has not been reported in the literature in individuals affected with FANCA-related conditions. Algorithms developed to predict the effect of missense changes on protein structure and function are either unavailable or do not agree on the potential impact of this missense change (SIFT: "Deleterious"; PolyPhen-2: "Possibly Damaging"; Align-GVGD: "Class C0"). In summary, the available evidence is currently insufficient to determine the role of this variant in disease. Therefore, it has been classified as a Variant of Uncertain Significance.

Natera, Inc.
Classification: Uncertain significance for Fanconi anemia. Last evaluated: 2020-06-13. Review status: no assertion criteria provided. Collection method: clinical testing. Allele origin: germline. Not counted in ClinVar's aggregate classification.